The following is an entry in ClinVar:

NM_206933.4(USH2A):c.8315C>T (p.Thr2772Ile)

Gene: USH2A (usherin; minus strand). Cytogenetic location: 1q41.
Variant type: single nucleotide variant.
Coding change: c.8315C>T on transcript NM_206933.4 (MANE Select); coding-DNA position 8315, C replaced by T.
Protein change: p.Thr2772Ile; replaces threonine 2772 with isoleucine.
Molecular consequence: missense variant.
Genome position (GRCh38, 1-based): chr1:215,879,007, G>A on the plus strand (C>T on the coding strand, the complement: USH2A is on the minus strand). VCF-style: chr1-215879007-G-A. GRCh37 (hg19) VCF-style: chr1-216052349-G-A.
Other names: short protein forms T2772I.
Identifiers: ClinVar variation 178650 (VCV000178650.24), dbSNP rs150807452, ClinGen allele CA182736.

ClinVar aggregate classification (germline): Conflicting classifications of pathogenicity. Review status: criteria provided, conflicting classifications (1 of 4 stars). 6 submissions from 6 submitters: Uncertain significance (1); Benign (1); Likely benign (4). Last evaluated 2026-01-28.

Conditions:
USH2A-related disorder. Also called: USH2A-related condition; USH2A-related disorders. Identifiers: MedGen CN239332.

Allele frequency attached by ClinVar (database versions not stated): gnomAD 0.00126 and 0.00115; ESP Exome Variant Server 0.00161; gnomAD exomes 0.00008 and 0.00031; ExAC 0.00045; 1000 Genomes Project 30x 0.00094; TOPMed 0.00115; 1000 Genomes Project 0.00120.
gnomAD v4.1: 305 of 1,614,034 alleles (0.019%); highest among the groups gnomAD compares: African/African-American, 0.37%; no homozygotes.

Submissions (6):

Labcorp Genetics (formerly Invitae), Labcorp
Classification: Likely benign. Last evaluated: 2026-01-28. Review status: criteria provided, single submitter. Criteria: Invitae Variant Classification Sherloc (09022015). Collection method: clinical testing. Allele origin: germline.

PreventionGenetics, part of Exact Sciences
Classification: Likely benign for USH2A-related condition. Last evaluated: 2024-10-16. Review status: criteria provided, single submitter. Criteria: ACMG Guidelines, 2015. Collection method: clinical testing. Allele origin: germline.
Comment: This variant is classified as likely benign based on ACMG/AMP sequence variant interpretation guidelines (Richards et al. 2015 PMID: 25741868, with internal and published modifications).

Blueprint Genetics
Classification: Likely benign. Last evaluated: 2024-03-09. Review status: criteria provided, single submitter. Criteria: ACMG Guidelines, 2015. Collection method: clinical testing. Allele origin: germline.

GeneDx
Classification: Likely benign. Last evaluated: 2021-01-21. Review status: criteria provided, single submitter. Criteria: GeneDx Variant Classification Process June 2021. Collection method: clinical testing. Allele origin: germline. Affected: yes.
Comment: In silico analysis supports that this missense variant does not alter protein structure/function; Has not been previously published as pathogenic or benign to our knowledge

Eurofins Ntd Llc (ga)
Classification: Uncertain significance. Last evaluated: 2017-04-20. Review status: criteria provided, single submitter. Criteria: EGL Classification Definitions 2015. Collection method: clinical testing. Allele origin: germline. Observed: 2 variant alleles, 2 heterozygotes.

Laboratory for Molecular Medicine, Mass General Brigham Personalized Medicine
Classification: Benign. Last evaluated: 2012-05-07. Review status: criteria provided, single submitter. Criteria: LMM Criteria. Collection method: clinical testing. Allele origin: germline. Observed: 1 variant allele.
Comment: Thr2772Ile in Exon 42 of USH2A: This variant is not expected to have clinical si gnificance because it has been identified in 0.6% (23/3738) of African American chromosomes from a broad population by the NHLBI Exome Sequencing Project (dbSNP rs150807452).